The following is an entry in ClinVar:

NM_001127208.3(TET2):c.2633T>G (p.Leu878Arg)

Genes: TET2 (tet methylcytosine dioxygenase 2; plus strand), TET2-AS1 (TET2 antisense RNA 1; minus strand). Cytogenetic location: 4q24.
Variant type: single nucleotide variant.
Coding change: c.2633T>G on transcript NM_001127208.3 (MANE Select); coding-DNA position 2633, T replaced by G.
Protein change: p.Leu878Arg; replaces leucine 878 with arginine.
Molecular consequence: missense variant.
Genome position (GRCh38, 1-based): chr4:105,236,575, T>G. VCF-style: chr4-105236575-T-G. GRCh37 (hg19) VCF-style: chr4-106157732-T-G.
Other names: c.2633T>G, p.Leu878Arg (NM_017628.4); short protein forms L878R.
Identifiers: ClinVar variation 1337975 (VCV001337975.4), dbSNP rs753055492, ClinGen allele CA357799847.

ClinVar aggregate classification (germline): Uncertain significance (1 of 4 stars; one submission).

gnomAD v4.1: 2 of 1,614,100 alleles (0.00012%); highest among the groups gnomAD compares: Non-Finnish European, 0.00017%; no homozygotes.

Submission:

Genetic Services Laboratory, University of Chicago
Classification: Uncertain significance. Last evaluated: 2021-06-25. Review status: criteria provided, single submitter. Criteria: ACMG Guidelines, 2015. Collection method: clinical testing. Allele origin: germline. Affected: no.
Comment: DNA sequence analysis of the TET2 gene demonstrated a sequence change, c.2633T>G, in exon 3 that results in an amino acid change, p.Leu878Arg. This sequence change is absent from known population databases (gnomAD). The p.Leu878Arg change affects a poorly conserved amino acid residue located in a domain of the TET2 protein that is not known to be functional. In-silico pathogenicity prediction tools (SIFT, PolyPhen2, Align GVGD, REVEL) provide contradictory results for the p.Leu878Arg substitution. This sequence change does not appear to have been previously described in individuals with TET2-related disorders. Due to the lack of sufficient evidences, the clinical significance of the p.Leu878Arg change remains unknown at this time.